The following is an entry in ClinVar:

NM_024876.4(COQ8B):c.648C>T (p.Ala216=)

Gene: COQ8B (coenzyme Q8B; minus strand). Cytogenetic location: 19q13.2.
Variant type: single nucleotide variant.
Coding change: c.648C>T on transcript NM_024876.4 (MANE Select); coding-DNA position 648, C replaced by T.
Protein change: p.Ala216=; no amino-acid change (alanine 216 retained).
Molecular consequence: synonymous variant.
Genome position (GRCh38, 1-based): chr19:40,703,784, G>A on the plus strand (C>T on the coding strand, the complement: COQ8B is on the minus strand). VCF-style: chr19-40703784-G-A. GRCh37 (hg19) VCF-style: chr19-41209689-G-A.
Other names: c.525C>T, p.Ala175= (NM_001142555.3).
Identifiers: ClinVar variation 380507 (VCV000380507.17), dbSNP rs4803357, ClinGen allele CA9450340.
Genomic context (GRCh38, chr19:40,703,784, plus strand): 5'-CACGGCCACCTCCGTCCCGTCCCTCAGCAGGCCCTGGTGCACCTGCCCAATTGAGGCAGC[G>A]GCAAAGGGCACCTCCTCCAAGGAGGCCACCTTGGCCTGCCAGTCCCTGCCGAGCTCCTCT-3'
Protein context (NP_079152.3, residues 206-226): KVASLEEVPF[Ala216=]AASIGQVHQG

ClinVar aggregate classification (germline): Benign/Likely benign. Review status: criteria provided, multiple submitters, no conflicts (2 of 4 stars). 6 submissions from 6 submitters: Benign (3); Likely benign (2). 1 of the submissions does not count toward it. Last evaluated 2026-01-28.

Conditions:
Kidney disorder. Also called: Nephropathy; Kidney disease; Kidney Diseases; renal disease; renal disorder. Identifiers: MedGen C0022658, MONDO:0005240, HP:0000112.

Allele frequency attached by ClinVar (database versions not stated): 1000 Genomes Project 0.01538; 1000 Genomes Project 30x 0.01562; TOPMed 0.02241; ESP Exome Variant Server 0.02337; gnomAD 0.02346 and 0.02373; gnomAD exomes 0.02489 and 0.03209; ExAC 0.02495.
gnomAD v4.1: 50,331 of 1,614,012 alleles (3.1%); highest among the groups gnomAD compares: Non-Finnish European, 3.6%; 875 homozygotes.

Submissions (6):

Labcorp Genetics (formerly Invitae), Labcorp
Classification: Benign. Last evaluated: 2026-01-28. Review status: criteria provided, single submitter. Criteria: Invitae Variant Classification Sherloc (09022015). Collection method: clinical testing. Allele origin: germline.

Blueprint Genetics
Classification: Likely benign. Last evaluated: 2024-11-28. Review status: criteria provided, single submitter. Criteria: ACMG Guidelines, 2015. Collection method: clinical testing. Allele origin: germline.

Genome Diagnostics Laboratory, The Hospital for Sick Children
Classification: Likely benign for Kidney disorder. Last evaluated: 2019-11-01. Review status: criteria provided, single submitter. Criteria: ACMG Guidelines, 2015. Collection method: clinical testing. Allele origin: germline.

GeneDx
Classification: Benign. Last evaluated: 2016-02-08. Review status: criteria provided, single submitter. Criteria: GeneDx Variant Classification (06012015). Collection method: clinical testing. Allele origin: germline. Affected: yes.
Comment: This variant is considered likely benign or benign based on one or more of the following criteria: it is a conservative change, it occurs at a poorly conserved position in the protein, it is predicted to be benign by multiple in silico algorithms, and/or has population frequency not consistent with disease.

Breakthrough Genomics
Classification: Benign. Review status: criteria provided, single submitter. Criteria: ACMG Guidelines, 2015. Collection method: not provided. Allele origin: germline. Inheritance: Autosomal recessive inheritance. Affected: yes.

Mayo Clinic Laboratories, Mayo Clinic
Classification: Benign. Last evaluated: 2016-02-19. Review status: no assertion criteria provided. Collection method: clinical testing. Allele origin: unknown. Not counted in ClinVar's aggregate classification.